The following is an entry in ClinVar:

ClinVar aggregate classification (germline): Uncertain significance (1 of 4 stars; one submission).

Submission:

GeneDx
Classification: Uncertain significance. Last evaluated: 2025-03-09. Review status: criteria provided, single submitter. Criteria: GeneDx Variant Classification Process June 2021. Collection method: clinical testing. Allele origin: germline. Affected: yes.
Comment: Not observed at significant frequency in large population cohorts (gnomAD); In-frame duplication of 7 amino acids in a non-repeat region; Has not been previously published as pathogenic or benign to our knowledge

NM_002474.3(MYH11):c.3216_3236dup (p.Ala1079_Glu1080insAspLeuGlnAlaGlnIleAla)

Gene: MYH11 (myosin heavy chain 11; minus strand). Cytogenetic location: 16p13.11.
Variant type: Duplication.
Coding change: c.3216_3236dup on transcript NM_002474.3 (MANE Select); coding-DNA positions 3216 to 3236, 21 bases duplicated (TGACCTCCAGGCGCAGATCGC).
Protein change: p.Ala1079_Glu1080insAspLeuGlnAlaGlnIleAla.
Genome position (GRCh38, 1-based): chr16:15,737,506-15,737,526, GCGATCTGCGCCTGGAGGTCA duplicated on the plus strand (TGACCTCCAGGCGCAGATCGC on the coding strand, the reverse complement: MYH11 is on the minus strand); duplicating any 21 consecutive bases within chr16:15,737,506-15,737,535 gives the same sequence; the c. name uses the placement nearest the transcript's 3' end. VCF-style (leftmost placement, unchanged base first): chr16-15737505-T-TGCGATCTGCGCCTGGAGGTCA. GRCh37 (hg19) VCF-style: chr16-15831362-T-TGCGATCTGCGCCTGGAGGTCA.
Other names: c.3237_3257dup, p.Ala1086_Glu1087insAspLeuGlnAlaGlnIleAla (NM_001040113.2, NM_001040114.2); c.3216_3236dup, p.Ala1079_Glu1080insAspLeuGlnAlaGlnIleAla (NM_022844.3).
Identifiers: ClinVar variation 4083035 (VCV004083035.1).